The following is an entry in ClinVar:

ClinVar aggregate classification (germline): Uncertain significance (1 of 4 stars; one submission).

Submission:

Ambry Genetics
Classification: Uncertain significance. Last evaluated: 2021-07-09. Review status: criteria provided, single submitter. Criteria: Ambry Variant Classification Scheme 2023. Collection method: clinical testing. Allele origin: germline.
Comment: The p.G1216R variant (also known as c.3646G>C), located in coding exon 31 of the PRKDC gene, results from a G to C substitution at nucleotide position 3646. The glycine at codon 1216 is replaced by arginine, an amino acid with dissimilar properties. This amino acid position is conserved. In addition, this alteration is predicted to be tolerated by in silico analysis. Since supporting evidence is limited at this time, the clinical significance of this alteration remains unclear.

NM_006904.7(PRKDC):c.3646G>C (p.Gly1216Arg)

Gene: PRKDC (protein kinase, DNA-activated, catalytic subunit; minus strand). Cytogenetic location: 8q11.21.
Variant type: single nucleotide variant.
Coding change: c.3646G>C on transcript NM_006904.7 (MANE Select); coding-DNA position 3646, G replaced by C.
Protein change: p.Gly1216Arg; replaces glycine 1216 with arginine.
Molecular consequence: missense variant.
Genome position (GRCh38, 1-based): chr8:47,893,340, C>G on the plus strand (G>C on the coding strand, the complement: PRKDC is on the minus strand). VCF-style: chr8-47893340-C-G. GRCh37 (hg19) VCF-style: chr8-48805900-C-G.
Other names: c.3646G>C, p.Gly1216Arg (NM_001081640.2); short protein forms G1216R.
Identifiers: ClinVar variation 1733557 (VCV001733557.2), dbSNP rs1400841199, ClinGen allele CA371151011.